The following is an entry in ClinVar:

ClinVar aggregate classification (germline): Uncertain significance (1 of 4 stars; one submission).

Allele frequency attached by ClinVar (database versions not stated): gnomAD exomes below 0.00001.
gnomAD v4.1: 1 of 1,613,978 alleles (0.000062%); highest among the groups gnomAD compares: African/African-American, 0.0013%; no homozygotes.

Submission:

Labcorp Genetics (formerly Invitae), Labcorp
Classification: Uncertain significance. Last evaluated: 2022-06-25. Review status: criteria provided, single submitter. Criteria: Invitae Variant Classification Sherloc (09022015). Collection method: clinical testing. Allele origin: germline.
Comment: This sequence change replaces lysine, which is basic and polar, with glutamic acid, which is acidic and polar, at codon 1166 of the ZNF687 protein (p.Lys1166Glu). This variant is not present in population databases (gnomAD no frequency). This variant has not been reported in the literature in individuals affected with ZNF687-related conditions. Algorithms developed to predict the effect of missense changes on protein structure and function (SIFT, PolyPhen-2, Align-GVGD) all suggest that this variant is likely to be tolerated. In summary, the available evidence is currently insufficient to determine the role of this variant in disease. Therefore, it has been classified as a Variant of Uncertain Significance.

NM_020832.3(ZNF687):c.3496A>G (p.Lys1166Glu)

Gene: ZNF687 (zinc finger protein 687; plus strand). Cytogenetic location: 1q21.3.
Variant type: single nucleotide variant.
Coding change: c.3496A>G on transcript NM_020832.3 (MANE Select); coding-DNA position 3496, A replaced by G.
Protein change: p.Lys1166Glu; replaces lysine 1166 with glutamic acid.
Molecular consequence: missense variant.
Genome position (GRCh38, 1-based): chr1:151,290,991, A>G. VCF-style: chr1-151290991-A-G. GRCh37 (hg19) VCF-style: chr1-151263467-A-G.
Other names: c.3496A>G, p.Lys1166Glu (NM_001304763.2, NM_001304764.2); short protein forms K1166E.
Identifiers: ClinVar variation 2010547 (VCV002010547.4), dbSNP rs2528554437, ClinGen allele CA341964677.